The following is an entry in ClinVar:

ClinVar aggregate classification (germline): Pathogenic/Likely pathogenic. Review status: criteria provided, multiple submitters, no conflicts (2 of 4 stars). 3 submissions from 3 submitters: Pathogenic (2); Likely pathogenic (1). Last evaluated 2024-09-19.

Conditions:
Autosomal recessive nonsyndromic hearing loss 22. Identifiers: Orphanet 90636, MedGen C1846896, MONDO:0011762, OMIM 607039.
Rare genetic deafness. Identifiers: Orphanet 96210, MedGen C5680250.

Allele frequency attached by ClinVar (database versions not stated): 1000 Genomes Project 0.00020; 1000 Genomes Project 30x 0.00031.
gnomAD v4.1: 10 of 1,613,986 alleles (0.00062%); highest among the groups gnomAD compares: Admixed American, 0.0067%; no homozygotes.

Submissions (3):

Victorian Clinical Genetics Services, Murdoch Childrens Research Institute
Classification: Pathogenic for Autosomal recessive nonsyndromic hearing loss 22. Last evaluated: 2024-09-19. Review status: criteria provided, single submitter. Criteria: ACMG Guidelines, 2015. Collection method: clinical testing. Allele origin: germline. Inheritance: Autosomal recessive inheritance. Affected: yes.
Comment: Based on the classification scheme VCGS_Germline_v1.3.4, this variant is classified as Pathogenic. Following criteria are met: 0102 - Loss of function is a known mechanism of disease in this gene and is associated with deafness, autosomal recessive 22, (MIM#607039). (I) 0106 - This gene is associated with autosomal recessive disease. (I) 0201 - Variant is predicted to cause nonsense-mediated decay (NMD) and loss of protein (premature termination codon is located at least 54 nucleotides upstream of the final exon-exon junction). (SP) 0251 - This variant is heterozygous. (I) 0304 - Variant is present in gnomAD (v2) <0.01 for a recessive condition (4 heterozygotes, 0 homozygotes). (SP) 0701 - Other NMD predicted variants comparable to the one identified in this case have very strong previous evidence for pathogenicity (ClinVar). (SP) 0807 - This variant has no previous evidence of pathogenicity. (I) 0905 - No published segregation evidence has been identified for this variant. (I) 1007 - No published functional evidence has been identified for this variant. (I) Legend: (SP) - Supporting pathogenic, (I) - Information, (SB) - Supporting benign

Labcorp Genetics (formerly Invitae), Labcorp
Classification: Pathogenic. Last evaluated: 2024-01-04. Review status: criteria provided, single submitter. Criteria: Invitae Variant Classification Sherloc (09022015). Collection method: clinical testing. Allele origin: germline.
Comment: This sequence change creates a premature translational stop signal (p.Ser269*) in the OTOA gene. It is expected to result in an absent or disrupted protein product. Loss-of-function variants in OTOA are known to be pathogenic (PMID: 11972037). This variant is present in population databases (rs201002358, gnomAD 0.01%). This variant has not been reported in the literature in individuals affected with OTOA-related conditions. For these reasons, this variant has been classified as Pathogenic.

Laboratory for Molecular Medicine, Mass General Brigham Personalized Medicine
Classification: Likely pathogenic for Rare genetic deafness. Last evaluated: 2022-06-30. Review status: criteria provided, single submitter. Criteria: ACMG Guidelines, 2015. Collection method: clinical testing. Allele origin: germline.
Comment: The p.Ser269X variant in OTOA has not been reported in individuals with nonsyndromic hearing loss but was present in 0.0065% (1/15258) Latino chromosomes by gnomAD. However, this frequency is low enough to be consistent with a recessive allele frequency. This nonsense variant leads to a premature termination codon at position 269, which is predicted to lead to a truncated or absent protein. Loss of function of the OTOA gene is an established disease mechanism in autosomal recessive nonsyndromic hearing loss. In summary, although additional studies are required to fully establish its clinical significance, this variant meets criteria to be classified as likely pathogenic for autosomal recessive nonsyndromic hearing loss. ACMG/AMP Criteria applied: PVS1, PM2_P.

Literature cited by the submitters: PubMed 11972037 (cited by Labcorp Genetics (formerly Invitae), Labcorp).

NM_144672.4(OTOA):c.806C>A (p.Ser269Ter)

Gene: OTOA (otoancorin). Cytogenetic location: 16p12.2.
Variant type: single nucleotide variant.
Coding change: c.806C>A on transcript NM_144672.4 (MANE Select); coding-DNA position 806, C replaced by A.
Protein change: p.Ser269Ter; replaces serine 269 with a stop codon.
Molecular consequence: nonsense.
Genome position (GRCh38, 1-based): chr16:21,697,841, C>A. VCF-style: chr16-21697841-C-A. GRCh37 (hg19) VCF-style: chr16-21709162-C-A.
Other names: c.569C>A, p.Ser190Ter (NM_001161683.2); short protein forms S190*, S269*.
Identifiers: ClinVar variation 2892999 (VCV002892999.6), dbSNP rs201002358, ClinGen allele CA7952426.